The following is an entry in ClinVar:

ClinVar aggregate classification (germline): Uncertain significance. Review status: criteria provided, multiple submitters, no conflicts (2 of 4 stars). 3 submissions from 3 submitters: Uncertain significance (3). Last evaluated 2024-11-15.

Submissions (3):

Women's Health and Genetics/Laboratory Corporation of America, LabCorp
Classification: Uncertain significance. Last evaluated: 2024-11-15. Review status: criteria provided, single submitter. Criteria: LabCorp Variant Classification Summary - May 2015. Collection method: clinical testing. Allele origin: germline.

Labcorp Genetics (formerly Invitae), Labcorp
Classification: Uncertain significance. Last evaluated: 2022-09-21. Review status: criteria provided, single submitter. Criteria: Invitae Variant Classification Sherloc (09022015). Collection method: clinical testing. Allele origin: germline.
Comment: In summary, the available evidence is currently insufficient to determine the role of this variant in disease. Therefore, it has been classified as a Variant of Uncertain Significance. Advanced modeling of protein sequence and biophysical properties (such as structural, functional, and spatial information, amino acid conservation, physicochemical variation, residue mobility, and thermodynamic stability) performed at Invitae indicates that this missense variant is not expected to disrupt RASA2 protein function. ClinVar contains an entry for this variant (Variation ID: 252666). This variant has not been reported in the literature in individuals affected with RASA2-related conditions. This variant is not present in population databases (gnomAD no frequency). This sequence change replaces lysine, which is basic and polar, with glutamic acid, which is acidic and polar, at codon 273 of the RASA2 protein (p.Lys273Glu).

Genomic Diagnostic Laboratory, Division of Genomic Diagnostics, Children's Hospital of Philadelphia
Classification: Uncertain significance. Last evaluated: 2015-08-19. Review status: criteria provided, single submitter. Criteria: DGD Variant Analysis Guidelines. Collection method: clinical testing. Allele origin: unknown.

NM_006506.5(RASA2):c.817A>G (p.Lys273Glu)

Gene: RASA2 (RAS p21 protein activator 2; plus strand). Cytogenetic location: 3q23.
Variant type: single nucleotide variant.
Coding change: c.817A>G on transcript NM_006506.5 (MANE Select); coding-DNA position 817, A replaced by G.
Protein change: p.Lys273Glu; replaces lysine 273 with glutamic acid.
Molecular consequence: missense variant.
Genome position (GRCh38, 1-based): chr3:141,559,949, A>G. VCF-style: chr3-141559949-A-G. GRCh37 (hg19) VCF-style: chr3-141278791-A-G.
Other names: c.817A>G, p.Lys273Glu (NM_001303245.3, NM_001303246.3); short protein forms K273E.
Identifiers: ClinVar variation 252666 (VCV000252666.7), dbSNP rs879255395, ClinGen allele CA10585974.
Genomic context (GRCh38, chr3:141,559,949, plus strand): 5'-TTCAGGATCGACTTGTGGAACAATGGAAACCTAGTCCAAGATGTTTTCCTAGGTGAGATT[A>G]AGGTTCCTGTGAACGTATTAAGAACTGATTCCTCTCATCAAGCCTGGTAAGGGCCCAGCA-3'
Protein context (NP_006497.2, residues 263-283): LVQDVFLGEI[Lys273Glu]VPVNVLRTDS